The following is an entry in ClinVar:

NM_001040142.2(SCN2A):c.133G>T (p.Asp45Tyr)

Gene: SCN2A (sodium voltage-gated channel alpha subunit 2; plus strand). Cytogenetic location: 2q24.3.
Variant type: single nucleotide variant.
Coding change: c.133G>T on transcript NM_001040142.2 (MANE Select); coding-DNA position 133, G replaced by T.
Protein change: p.Asp45Tyr; replaces aspartic acid 45 with tyrosine.
Molecular consequence: missense variant.
Genome position (GRCh38, 1-based): chr2:165,295,956, G>T. VCF-style: chr2-165295956-G-T. GRCh37 (hg19) VCF-style: chr2-166152466-G-T.
Other names: c.133G>T, p.Asp45Tyr (NM_001040143.2, NM_001371246.1, NM_001371247.1 and 1 more transcripts); short protein forms D45Y.
Identifiers: ClinVar variation 4790929 (VCV004790929.1).

ClinVar aggregate classification (germline): Uncertain significance (1 of 4 stars; one submission).

Conditions:
Developmental and epileptic encephalopathy, 11 (DEE11). Also called: Early infantile epileptic encephalopathy 11. Identifiers: Orphanet 1934, MedGen C3150987, MONDO:0013388, OMIM 613721.
Seizures, benign familial infantile, 3 (BFIS3). Also called: CONVULSIONS, BENIGN FAMILIAL INFANTILE, 3; Familial neonatal seizures. Identifiers: Orphanet 140927, Orphanet 306, MedGen C1843140, MONDO:0011904, OMIM 607745.

Submission:

Labcorp Genetics (formerly Invitae), Labcorp
Classification: Uncertain significance for Seizures, benign familial infantile, 3; Developmental and epileptic encephalopathy, 11. Last evaluated: 2025-12-21. Review status: criteria provided, single submitter. Criteria: Invitae Variant Classification Sherloc (09022015). Collection method: clinical testing. Allele origin: germline.
Comment: This sequence change replaces aspartic acid, which is acidic and polar, with tyrosine, which is neutral and polar, at codon 45 of the SCN2A protein (p.Asp45Tyr). This variant is not present in population databases (gnomAD no frequency). This variant has not been reported in the literature in individuals affected with SCN2A-related conditions. Invitae Evidence Modeling of protein sequence and biophysical properties (such as structural, functional, and spatial information, amino acid conservation, physicochemical variation, residue mobility, and thermodynamic stability) indicates that this missense variant is expected to disrupt SCN2A protein function with a positive predictive value of 95%. In summary, the available evidence is currently insufficient to determine the role of this variant in disease. Therefore, it has been classified as a Variant of Uncertain Significance.